The following is an entry in ClinVar:

ClinVar aggregate classification (germline): Uncertain significance (1 of 4 stars; one submission).

Conditions:
Paroxysmal nonkinesigenic dyskinesia. Also called: Paroxysmal non-kinesigenic dyskinesia. Identifiers: Orphanet 98810, MedGen C1869117, MONDO:0700088.

Submission:

Labcorp Genetics (formerly Invitae), Labcorp
Classification: Uncertain significance for Paroxysmal nonkinesigenic dyskinesia. Last evaluated: 2018-05-22. Review status: criteria provided, single submitter. Criteria: Invitae Variant Classification Sherloc (09022015). Collection method: clinical testing. Allele origin: germline.
Comment: In summary, the available evidence is currently insufficient to determine the role of this variant in disease. Therefore, it has been classified as a Variant of Uncertain Significance. This sequence change replaces arginine with isoleucine at codon 16 of the PNKD protein (p.Arg16Ile). The arginine residue is moderately conserved and there is a moderate physicochemical difference between arginine and isoleucine. While this variant is not present in population databases, the frequency information is unreliable, as metrics indicate poor data quality at this position in the ExAC database. This variant has not been reported in the literature in individuals with PNKD-related disease. Algorithms developed to predict the effect of missense changes on protein structure and function do not agree on the potential impact of this missense change (SIFT: "Deleterious"; PolyPhen-2: "Benign"; Align-GVGD: "Class C0").

NM_015488.5(PNKD):c.47G>T (p.Arg16Ile)

Genes: PNKD (PNKD metallo-beta-lactamase domain containing; plus strand), LOC129935594 (ATAC-STARR-seq lymphoblastoid active region 17117; plus strand). Cytogenetic location: 2q35.
Variant type: single nucleotide variant.
Coding change: c.47G>T on transcript NM_015488.5 (MANE Select); coding-DNA position 47, G replaced by T.
Protein change: p.Arg16Ile; replaces arginine 16 with isoleucine.
Molecular consequence: missense variant.
Genome position (GRCh38, 1-based): chr2:218,270,582, G>T. VCF-style: chr2-218270582-G-T. GRCh37 (hg19) VCF-style: chr2-219135305-G-T.
Other names: c.47G>T, p.Arg16Ile (NM_001077399.3); short protein forms R16I.
Identifiers: ClinVar variation 468632 (VCV000468632.8), dbSNP rs1553654496, ClinGen allele CA350543661.